The following is an entry in ClinVar:

ClinVar aggregate classification (germline): Pathogenic/Likely pathogenic. Review status: criteria provided, multiple submitters, no conflicts (2 of 4 stars). 5 submissions from 5 submitters: Pathogenic (4); Likely pathogenic (1). Last evaluated 2025-12-18.

Conditions:
Cardiovascular phenotype. Identifiers: MedGen CN230736.
Hereditary cancer-predisposing syndrome. Also called: Hereditary Cancer Syndrome; Tumor predisposition; Neoplastic Syndromes, Hereditary; Hereditary neoplastic syndrome. Identifiers: Orphanet 140162, MedGen C0027672, MeSH D009386, MONDO:0015356.
Neurofibromatosis, type 1 (NF1). Also called: VON RECKLINGHAUSEN DISEASE; NEUROFIBROMATOSIS, TYPE I, SOMATIC; Neurofibromatosis, type I; Peripheral type neurofibromatosis. Identifiers: Orphanet 636, MedGen C0027831, MONDO:0018975, OMIM 162200. Disease mechanism: loss of function.

Submissions (5):

3billion
Classification: Pathogenic for Neurofibromatosis, type 1. Last evaluated: 2025-12-18. Review status: criteria provided, single submitter. Criteria: ACMG Guidelines, 2015. Collection method: clinical testing. Allele origin: germline. Affected: yes.
Comment: The variant is not observed in the gnomAD v4.1.0 dataset. Predicted Consequence/Location: Frameshift: predicted to result in a loss or disruption of normal protein function through nonsense-mediated decay (NMD) or protein truncation. Multiple pathogenic variants are reported downstream of the variant. The variant has been reported at least twice as pathogenic with clinical assertions and evidence for the classification (ClinVar ID: VCV000953184 /PMID: 25074460). Therefore, this variant is classified as Pathogenic according to the recommendation of ACMG/AMP guideline.

Ambry Genetics
Classification: Pathogenic for Cardiovascular phenotype; Hereditary cancer-predisposing syndrome. Last evaluated: 2025-10-24. Review status: criteria provided, single submitter. Criteria: Ambry Variant Classification Scheme 2023. Collection method: clinical testing. Allele origin: germline.
Comment: The c.3826delC pathogenic mutation, located in coding exon 28 of the NF1 gene, results from a deletion of one nucleotide at nucleotide position 3826, causing a translational frameshift with a predicted alternate stop codon (p.R1276Efs*9). This variant was reported in individual(s) with features consistent with neurofibromatosis type 1 (Pasmant E et al. Eur J Hum Genet, 2015 May;23:596-601). This variant is considered to be rare based on population cohorts in the Genome Aggregation Database (gnomAD). This alteration is expected to result in loss of function by premature protein truncation or nonsense-mediated mRNA decay. As such, this alteration is interpreted as a disease-causing mutation.

Genome-Nilou Lab
Classification: Pathogenic for Neurofibromatosis, type 1. Last evaluated: 2022-03-15. Review status: criteria provided, single submitter. Criteria: ACMG Guidelines, 2015. Collection method: clinical testing. Allele origin: germline. Affected: no.

Genome Diagnostics Laboratory, The Hospital for Sick Children
Classification: Likely pathogenic for Neurofibromatosis, type 1. Last evaluated: 2020-10-26. Review status: criteria provided, single submitter. Criteria: ACMG Guidelines, 2015. Collection method: clinical testing. Allele origin: germline. Affected: yes.

Labcorp Genetics (formerly Invitae), Labcorp
Classification: Pathogenic for Neurofibromatosis, type 1. Last evaluated: 2019-08-30. Review status: criteria provided, single submitter. Criteria: Invitae Variant Classification Sherloc (09022015). Collection method: clinical testing. Allele origin: germline.
Comment: This variant is not present in population databases (ExAC no frequency). This variant has been observed in an individual affected with neurofibromatosis type 1 (PMID: 25074460). Loss-of-function variants in NF1 are known to be pathogenic (PMID: 10712197, 23913538). For these reasons, this variant has been classified as Pathogenic. This sequence change creates a premature translational stop signal (p.Arg1276Glufs*9) in the NF1 gene. It is expected to result in an absent or disrupted protein product.

Literature cited by the submitters: PubMed 25074460 (cited by 3 submitters); PubMed 10712197 (cited by Labcorp Genetics (formerly Invitae), Labcorp); PubMed 23913538 (cited by Labcorp Genetics (formerly Invitae), Labcorp).

NM_001042492.3(NF1):c.3826del (p.Arg1276fs)

Gene: NF1 (neurofibromin 1; plus strand). Cytogenetic location: 17q11.2.
Variant type: Deletion.
Coding change: c.3826del on transcript NM_001042492.3 (MANE Select); coding-DNA position 3826, one base deleted (C; older notation c.3826delC).
Protein change: p.Arg1276fs; shifts the reading frame from arginine 1276.
Molecular consequence: frameshift variant.
Genome position (GRCh38, 1-based): chr17:31,235,728, C deleted; the last of 2 consecutive C bases (chr17:31,235,727-31,235,728); deleting either gives the same sequence. VCF-style (leftmost placement, unchanged base first): chr17-31235726-TC-T. GRCh37 (hg19) VCF-style: chr17-29562744-TC-T.
Other names: c.3826delC, p.Arg1276Glufs (NM_000267.4); c.3826delC (NM_000267.3); short protein forms R1276fs.
Identifiers: ClinVar variation 953184 (VCV000953184.12), dbSNP rs2067188667, ClinGen allele CA1139665345.